The following is an entry in ClinVar:

ClinVar aggregate classification (germline): Uncertain significance. Review status: criteria provided, multiple submitters, no conflicts (2 of 4 stars). 2 submissions from 2 submitters: Uncertain significance (2). Last evaluated 2025-11-05.

Conditions:
Atrial fibrillation, familial, 6 (ATFB6). Identifiers: MedGen C2677294, MONDO:0012816, OMIM 612201.

Allele frequency attached by ClinVar (database versions not stated): gnomAD exomes below 0.00001; TOPMed 0.00002.
gnomAD v4.1: 3 of 1,614,170 alleles (0.00019%); highest among the groups gnomAD compares: Non-Finnish European, 0.00025%; no homozygotes.

Submissions (2):

Labcorp Genetics (formerly Invitae), Labcorp
Classification: Uncertain significance for Atrial fibrillation, familial, 6. Last evaluated: 2025-11-05. Review status: criteria provided, single submitter. Criteria: Invitae Variant Classification Sherloc (09022015). Collection method: clinical testing. Allele origin: germline.
Comment: This sequence change replaces phenylalanine, which is neutral and non-polar, with leucine, which is neutral and non-polar, at codon 40 of the NPPA protein (p.Phe40Leu). This variant is not present in population databases (gnomAD no frequency). This variant has not been reported in the literature in individuals affected with NPPA-related conditions. ClinVar contains an entry for this variant (Variation ID: 857219). An algorithm developed to predict the effect of missense changes on protein structure and function (PolyPhen-2) suggests that this variant is likely to be tolerated. In summary, the available evidence is currently insufficient to determine the role of this variant in disease. Therefore, it has been classified as a Variant of Uncertain Significance.

Baylor Genetics
Classification: Uncertain significance for Atrial fibrillation, familial, 6. Last evaluated: 2023-02-24. Review status: criteria provided, single submitter. Criteria: ACMG Guidelines, 2015. Collection method: clinical testing. Allele origin: unknown.

NM_006172.4(NPPA):c.118T>C (p.Phe40Leu)

Genes: NPPA (natriuretic peptide A; minus strand), NPPA-AS1 (NPPA antisense RNA 1; plus strand), LOC114827827 (VISTA enhancer hs2123; plus strand). Cytogenetic location: 1p36.22.
Variant type: single nucleotide variant.
Coding change: c.118T>C on transcript NM_006172.4 (MANE Select); coding-DNA position 118, T replaced by C.
Protein change: p.Phe40Leu; replaces phenylalanine 40 with leucine.
Molecular consequence: missense variant. On other transcripts: non-coding transcript variant (1).
Genome position (GRCh38, 1-based): chr1:11,847,567, A>G on the plus strand (T>C on the coding strand, the complement: NPPA is on the minus strand). VCF-style: chr1-11847567-A-G. GRCh37 (hg19) VCF-style: chr1-11907624-A-G.
Other names: short protein forms F40L.
Identifiers: ClinVar variation 857219 (VCV000857219.10), dbSNP rs1645078375, ClinGen allele CA338451686.